The following is an entry in ClinVar:

ClinVar aggregate classification (germline): Uncertain significance. Review status: criteria provided, multiple submitters, no conflicts (2 of 4 stars). 2 submissions from 2 submitters: Uncertain significance (2). Last evaluated 2025-12-11.

Conditions:
Inborn genetic diseases. Identifiers: MedGen C0950123, MeSH D030342.

gnomAD v4.1: 33 of 1,613,822 alleles (0.002%); highest among the groups gnomAD compares: Non-Finnish European, 0.0027%; no homozygotes.

Submissions (2):

Labcorp Genetics (formerly Invitae), Labcorp
Classification: Uncertain significance. Last evaluated: 2025-12-11. Review status: criteria provided, single submitter. Criteria: Invitae Variant Classification Sherloc (09022015). Collection method: clinical testing. Allele origin: germline.
Comment: This sequence change replaces arginine, which is basic and polar, with histidine, which is basic and polar, at codon 617 of the SLC20A2 protein (p.Arg617His). The frequency data for this variant in the population databases is considered unreliable, as metrics indicate poor data quality at this position in the gnomAD database. This variant has not been reported in the literature in individuals affected with SLC20A2-related conditions. Invitae Evidence Modeling of protein sequence and biophysical properties (such as structural, functional, and spatial information, amino acid conservation, physicochemical variation, residue mobility, and thermodynamic stability) indicates that this missense variant is not expected to disrupt SLC20A2 protein function with a negative predictive value of 95%. In summary, the available evidence is currently insufficient to determine the role of this variant in disease. Therefore, it has been classified as a Variant of Uncertain Significance.

Ambry Genetics
Classification: Uncertain significance for Inborn genetic diseases. Last evaluated: 2025-10-18. Review status: criteria provided, single submitter. Criteria: Ambry Variant Classification Scheme 2023. Collection method: clinical testing. Allele origin: germline.

NM_001257180.2(SLC20A2):c.1850G>A (p.Arg617His)

Gene: SLC20A2 (solute carrier family 20 member 2; minus strand). Cytogenetic location: 8p11.21.
Variant type: single nucleotide variant.
Coding change: c.1850G>A on transcript NM_001257180.2 (MANE Select); coding-DNA position 1850, G replaced by A.
Protein change: p.Arg617His; replaces arginine 617 with histidine.
Molecular consequence: missense variant.
Genome position (GRCh38, 1-based): chr8:42,417,912, C>T on the plus strand (G>A on the coding strand, the complement: SLC20A2 is on the minus strand). VCF-style: chr8-42417912-C-T. GRCh37 (hg19) VCF-style: chr8-42275430-C-T.
Other names: c.1850G>A, p.Arg617His (NM_001257181.2, NM_006749.5); short protein forms R617H.
Identifiers: ClinVar variation 4631065 (VCV004631065.2).